The following is an entry in ClinVar:

ClinVar aggregate classification (germline): Uncertain significance (1 of 4 stars; one submission).

Conditions:
Wilson disease (WND). Also called: Wilson's disease. Identifiers: Orphanet 905, MedGen C0019202, MONDO:0010200, OMIM 277900. Disease mechanism: loss of function.

Submission:

Juno Genomics, Hangzhou Juno Genomics, Inc
Classification: Uncertain significance for Wilson disease. Review status: criteria provided, single submitter. Criteria: ACMG Guidelines, 2015. Collection method: clinical testing. Allele origin: germline. Affected: yes.
Comment: Absent from controls (or at extremely low frequency if recessive) in Genome Aggregation Database, Exome Sequencing Project, 1000 Genomes Project, or Exome Aggregation Consortium.;Multiple lines of computational evidence support a deleterious effect on the gene or gene product (conservation, evolutionary, splicing impact, etc).

NM_000053.4(ATP7B):c.3563T>G (p.Leu1188Arg)

Gene: ATP7B (ATPase copper transporting beta; minus strand). Cytogenetic location: 13q14.3.
Variant type: single nucleotide variant.
Coding change: c.3563T>G on transcript NM_000053.4 (MANE Select); coding-DNA position 3563, T replaced by G.
Protein change: p.Leu1188Arg; replaces leucine 1188 with arginine.
Molecular consequence: missense variant.
Genome position (GRCh38, 1-based): chr13:51,939,187, A>C on the plus strand (T>G on the coding strand, the complement: ATP7B is on the minus strand). VCF-style: chr13-51939187-A-C. GRCh37 (hg19) VCF-style: chr13-52513323-A-C.
Other names: c.2942T>G, p.Leu981Arg (NM_001005918.3); c.3230T>G, p.Leu1077Arg (NM_001243182.2); c.3134T>G, p.Leu1045Arg (NM_001406539.1); c.3116T>G, p.Leu1039Arg (NM_001406540.1); c.3077T>G, p.Leu1026Arg (NM_001406541.1, NM_001406542.1); c.3071T>G, p.Leu1024Arg (NM_001406543.1); c.2981T>G, p.Leu994Arg (NM_001406544.1); c.2915T>G, p.Leu972Arg (NM_001406545.1); and 20 more; short protein forms L1024R, L1026R, L1039R, L1045R, L1062R, L1075R, L1077R, L1078R.
Identifiers: ClinVar variation 3383196 (VCV003383196.2).